The following is an entry in ClinVar:

NM_001148.6(ANK2):c.9220C>A (p.Gln3074Lys)

Gene: ANK2 (ankyrin 2; plus strand). Cytogenetic location: 4q26.
Variant type: single nucleotide variant.
Coding change: c.9220C>A on transcript NM_001148.6 (MANE Select); coding-DNA position 9220, C replaced by A.
Protein change: p.Gln3074Lys; replaces glutamine 3074 with lysine.
Molecular consequence: missense variant. On other transcripts: intron variant (68).
Genome position (GRCh38, 1-based): chr4:113,357,838, C>A. VCF-style: chr4-113357838-C-A. GRCh37 (hg19) VCF-style: chr4-114278994-C-A.
Other names: c.4463-2985C>A (NM_001354232.2); c.4328-2985C>A (NM_001354228.2, NM_001354258.2); c.4265-2985C>A (NM_001354245.2, NM_001354262.2, NM_001354275.2); c.4229-2985C>A (NM_001354268.2); c.4127-2985C>A (NM_001354273.2); c.4427-2985C>A (NM_020977.5); c.4484-2985C>A (NM_001386152.1); c.4505-2985C>A (NM_001354237.2); and 35 more; short protein forms Q3074K, Q3113K, Q3121K, Q1874K, Q2996K.
Identifiers: ClinVar variation 3539412 (VCV003539412.1).

ClinVar aggregate classification (germline): Uncertain significance (1 of 4 stars; one submission).

Conditions:
Cardiovascular phenotype. Identifiers: MedGen CN230736.

gnomAD v4.1: 6 of 1,613,734 alleles (0.00037%); highest among the groups gnomAD compares: African/African-American, 0.008%; no homozygotes.

Submission:

Ambry Genetics
Classification: Uncertain significance for Cardiovascular phenotype. Last evaluated: 2024-07-17. Review status: criteria provided, single submitter. Criteria: Ambry Variant Classification Scheme 2023. Collection method: clinical testing. Allele origin: germline.
Comment: The p.Q3074K variant (also known as c.9220C>A), located in coding exon 38 of the ANK2 gene, results from a C to A substitution at nucleotide position 9220. The glutamine at codon 3074 is replaced by lysine, an amino acid with similar properties. This amino acid position is conserved. In addition, the in silico prediction for this alteration is inconclusive. Based on the available evidence, the clinical significance of this variant remains unclear.